The following is an entry in ClinVar:

ClinVar aggregate classification (germline): Conflicting classifications of pathogenicity. Review status: criteria provided, conflicting classifications (1 of 4 stars). 3 submissions from 3 submitters: Uncertain significance (2); Benign (1). Last evaluated 2024-02-06.

Conditions:
Intellectual developmental disorder, autosomal dominant 6, with or without seizures. Also called: Intellectual disability, autosomal dominant 6; GRIN2B-related developmental delay, intellectual disability and autism spectrum disorder. Identifiers: Orphanet 589547, MedGen C3151411, MONDO:0013509, OMIM 613970.
Developmental and epileptic encephalopathy, 27 (DEE27). Also called: Epileptic encephalopathy, early infantile, 27; GRIN2B-Related Neurodevelopmental Disorder. Identifiers: Orphanet 3451, MedGen C4015316, MONDO:0014505, OMIM 616139.

gnomAD v4.1: 8 of 1,614,212 alleles (0.0005%); highest among the groups gnomAD compares: East Asian, 0.0022%; no homozygotes.

Submissions (3):

Labcorp Genetics (formerly Invitae), Labcorp
Classification: Benign for Developmental and epileptic encephalopathy, 27; Intellectual developmental disorder, autosomal dominant 6, with or without seizures. Last evaluated: 2024-02-06. Review status: criteria provided, single submitter. Criteria: Invitae Variant Classification Sherloc (09022015). Collection method: clinical testing. Allele origin: germline.

GeneDx
Classification: Uncertain significance. Last evaluated: 2017-04-17. Review status: criteria provided, single submitter. Criteria: GeneDx Variant Classification (06012015). Collection method: clinical testing. Allele origin: germline. Affected: yes.
Comment: A variant of uncertain significance has been identified in the GRIN2B gene. The V1438M variant has not been published as a pathogenic variant, nor has it been reported as a benign variant to our knowledge. The V1438M variant is observed in 1/66,726 (0.001%) alleles from individuals of European background, in the ExAC dataset (Lek et al., 2016; 1000 Genomes Consortium et al., 2015; Exome Variant Server). The V1438M variant is a conservative amino acid substitution, which is not likely to impact secondary protein structure as these residues share similar properties. This substitution occurs at a position amino acids with similar properties to Valine are tolerated across species. However, in silico analysis is inconsistent in its predictions as to whether or not the variant is damaging to the protein structure/function. Therefore, based on the currently available information, it is unclear whether this variant is a pathogenic variant or a rare benign variant.

Neuberg Centre For Genomic Medicine, NCGM
Classification: Uncertain significance for Developmental and epileptic encephalopathy, 27. Review status: criteria provided, single submitter. Criteria: ACMG Guidelines, 2015. Collection method: clinical testing. Allele origin: germline. Inheritance: Autosomal dominant inheritance. Affected: yes.
Comment: The missense variant p.V1438M in GRIN2B (NM_000834.5) has not been reported previously as a pathogenic variant nor as a benign variant, to our knowledge. The p.Val1438Met variant has a GnomAD frequency of 0.0007953 % and is novel (not in any individuals) in 1000 Genomes. There is a small physicochemical difference between valine and methionine, which is not likely to impact secondary protein structure as these residues share similar properties. The amino acid change p.Val1438Met in GRIN2B is predicted as conserved by GERP++ and PhyloP across 100 vertebrates. For these reasons, this variant has been classified as Uncertain Significance.

NM_000834.5(GRIN2B):c.4312G>A (p.Val1438Met)

Gene: GRIN2B (glutamate ionotropic receptor NMDA type subunit 2B; minus strand). Cytogenetic location: 12p13.1.
Variant type: single nucleotide variant.
Coding change: c.4312G>A on transcript NM_000834.5 (MANE Select); coding-DNA position 4312, G replaced by A.
Protein change: p.Val1438Met; replaces valine 1438 with methionine.
Molecular consequence: missense variant.
Genome position (GRCh38, 1-based): chr12:13,562,926, C>T on the plus strand (G>A on the coding strand, the complement: GRIN2B is on the minus strand). VCF-style: chr12-13562926-C-T. GRCh37 (hg19) VCF-style: chr12-13715860-C-T.
Other names: c.4312G>A (NM_000834.4); short protein forms V1438M.
Identifiers: ClinVar variation 245764 (VCV000245764.14), dbSNP rs763699668, ClinGen allele CA6460744.
Genomic context (GRCh38, chr12:13,562,926, plus strand): 5'-TAGGCACACAGGGGTTGGACTGGTTCCCTATACAGATGTCCTTCTGGAAACGGGCTGGCA[C>T]GGCCCCATGAAGGGCCGAGACCACCGGCTTGTTGGTGACAAGGGCCCGGAAGTCCGGCCT-3'
Protein context (NP_000825.2, residues 1428-1448): KPVVSALHGA[Val1438Met]PARFQKDICI